The following is an entry in ClinVar:

NM_003611.3(OFD1):c.497C>A (p.Thr166Lys)

Gene: OFD1 (OFD1 centriole and centriolar satellite protein; plus strand). Cytogenetic location: Xp22.2.
Variant type: single nucleotide variant.
Coding change: c.497C>A on transcript NM_003611.3 (MANE Select); coding-DNA position 497, C replaced by A.
Protein change: p.Thr166Lys; replaces threonine 166 with lysine.
Molecular consequence: missense variant.
Genome position (GRCh38, 1-based): chrX:13,744,499, C>A. VCF-style: chrX-13744499-C-A. GRCh37 (hg19) VCF-style: chrX-13762618-C-A.
Other names: c.497C>A, p.Thr166Lys (NM_001330209.2); c.77C>A, p.Thr26Lys (NM_001330210.2); short protein forms T26K, T166K.
Identifiers: ClinVar variation 2119645 (VCV002119645.4), dbSNP rs2518821471, ClinGen allele CA412336325.

ClinVar aggregate classification (germline): Uncertain significance (1 of 4 stars; one submission).

Conditions:
Joubert syndrome. Also called: CEREBELLOPARENCHYMAL DISORDER IV; JOUBERT-BOLTSHAUSER SYNDROME; Familial aplasia of the vermis. Identifiers: Orphanet 475, MedGen C5979921, MONDO:0018772.
Orofaciodigital syndrome I (OFD1). Also called: OFDS I; Papillon-Leage and Psaume Syndrome; Oral-Facial-Digital Syndrome Type I. Identifiers: Orphanet 2750, MedGen C1510460, MONDO:0010702, OMIM 311200.

Allele frequency attached by ClinVar (database versions not stated): gnomAD exomes below 0.00001.

Submission:

Labcorp Genetics (formerly Invitae), Labcorp
Classification: Uncertain significance for Orofaciodigital syndrome I; Joubert syndrome. Last evaluated: 2022-03-29. Review status: criteria provided, single submitter. Criteria: Invitae Variant Classification Sherloc (09022015). Collection method: clinical testing. Allele origin: germline.
Comment: In summary, the available evidence is currently insufficient to determine the role of this variant in disease. Therefore, it has been classified as a Variant of Uncertain Significance. Algorithms developed to predict the effect of sequence changes on RNA splicing suggest that this variant may disrupt the consensus splice site. Algorithms developed to predict the effect of missense changes on protein structure and function are either unavailable or do not agree on the potential impact of this missense change (SIFT: "Deleterious"; PolyPhen-2: "Possibly Damaging"; Align-GVGD: "Class C0"). This variant has not been reported in the literature in individuals affected with OFD1-related conditions. This variant is not present in population databases (gnomAD no frequency). This sequence change replaces threonine, which is neutral and polar, with lysine, which is basic and polar, at codon 166 of the OFD1 protein (p.Thr166Lys).